The following is an entry in ClinVar:

NM_024675.4(PALB2):c.3273G>A (p.Gln1091=)

Gene: PALB2 (partner and localizer of BRCA2; minus strand). Cytogenetic location: 16p12.2.
Variant type: single nucleotide variant.
Coding change: c.3273G>A on transcript NM_024675.4 (MANE Select); coding-DNA position 3273, G replaced by A.
Protein change: p.Gln1091=; no amino-acid change (glutamine 1091 retained).
Molecular consequence: synonymous variant. On other transcripts: intron variant (8).
Genome position (GRCh38, 1-based): chr16:23,607,941, C>T on the plus strand (G>A on the coding strand, the complement: PALB2 is on the minus strand). VCF-style: chr16-23607941-C-T. GRCh37 (hg19) VCF-style: chr16-23619262-C-T.
Other names: c.3111G>A, p.Gln1037= (NM_001407298.1); c.2994G>A, p.Gln998= (NM_001407300.1); c.2388G>A, p.Gln796= (NM_001407304.1, NM_001407305.1, NM_001407306.1); c.2226G>A, p.Gln742= (NM_001407307.1); c.1485G>A, p.Gln495= (NM_001407312.1); c.807G>A, p.Gln269= (NM_001407314.1); c.2229-4272G>A (NM_001407308.1, NM_001407309.1); c.1414-4272G>A (NM_001407313.1); and 6 more.
Identifiers: ClinVar variation 1729643 (VCV001729643.6), dbSNP rs1555458200, ClinGen allele CA494175670.

ClinVar aggregate classification (germline): Benign/Likely benign. Review status: criteria provided, multiple submitters, no conflicts (2 of 4 stars). 3 submissions from 3 submitters: Benign (1); Likely benign (2). Last evaluated 2025-01-22.

Conditions:
Hereditary cancer-predisposing syndrome. Also called: Neoplastic Syndromes, Hereditary; Tumor predisposition; Hereditary Cancer Syndrome; Hereditary neoplastic syndrome. Identifiers: Orphanet 140162, MedGen C0027672, MeSH D009386, MONDO:0015356.
Familial cancer of breast. Also called: BREAST CANCER, FAMILIAL; Hereditary breast cancer; hereditary breast carcinoma. Identifiers: Orphanet 227535, MedGen C0346153, MONDO:0016419, OMIM 114480. Disease mechanism: loss of function.

Allele frequency attached by ClinVar (database versions not stated): gnomAD exomes below 0.00001.
gnomAD v4.1: 1 of 1,614,088 alleles (0.000062%); highest among the groups gnomAD compares: Non-Finnish European, 0.000085%; no homozygotes.

Submissions (3):

Myriad Genetics, Inc.
Classification: Benign for Familial cancer of breast. Last evaluated: 2025-01-22. Review status: criteria provided, single submitter. Criteria: Myriad Autosomal Dominant, Autosomal Recessive and X-Linked Classification Criteria (2023). Collection method: clinical testing. Allele origin: unknown.
Comment: This variant is considered benign. This variant is a silent/synonymous amino acid change and it is not expected to impact splicing.

Labcorp Genetics (formerly Invitae), Labcorp
Classification: Likely benign for Familial cancer of breast. Last evaluated: 2024-01-28. Review status: criteria provided, single submitter. Criteria: Invitae Variant Classification Sherloc (09022015). Collection method: clinical testing. Allele origin: germline.

Ambry Genetics
Classification: Likely benign for Hereditary cancer-predisposing syndrome. Last evaluated: 2017-10-17. Review status: criteria provided, single submitter. Criteria: Ambry Variant Classification Scheme 2023. Collection method: clinical testing. Allele origin: germline.